The following is an entry in ClinVar:

ClinVar aggregate classification (germline): Pathogenic (1 of 4 stars; one submission).

Conditions:
Primary ciliary dyskinesia. Also called: Ciliary dyskinesia. Identifiers: Orphanet 244, MedGen C0008780, MONDO:0016575, HP:0012265.

Submission:

Labcorp Genetics (formerly Invitae), Labcorp
Classification: Pathogenic for Primary ciliary dyskinesia. Last evaluated: 2023-01-10. Review status: criteria provided, single submitter. Criteria: Invitae Variant Classification Sherloc (09022015). Collection method: clinical testing. Allele origin: germline.
Comment: For these reasons, this variant has been classified as Pathogenic. This variant has not been reported in the literature in individuals affected with DNAH8-related conditions. This variant is not present in population databases (gnomAD no frequency). This sequence change creates a premature translational stop signal (p.Trp4321*) in the DNAH8 gene. It is expected to result in an absent or disrupted protein product. Loss-of-function variants in DNAH8 are known to be pathogenic (PMID: 24307375, 32619401, 32681648).

Literature cited by the submitters: PubMed 24307375; PubMed 32619401; PubMed 32681648.

NM_001206927.2(DNAH8):c.12963G>A (p.Trp4321Ter)

Gene: DNAH8 (dynein axonemal heavy chain 8; plus strand). Cytogenetic location: 6p21.2.
Variant type: single nucleotide variant.
Coding change: c.12963G>A on transcript NM_001206927.2 (MANE Select); coding-DNA position 12963, G replaced by A.
Protein change: p.Trp4321Ter; replaces tryptophan 4321 with a stop codon.
Molecular consequence: nonsense.
Genome position (GRCh38, 1-based): chr6:38,984,217, G>A. VCF-style: chr6-38984217-G-A. GRCh37 (hg19) VCF-style: chr6-38951993-G-A.
Other names: c.12312G>A, p.Trp4104Ter (NM_001371.4); short protein forms W4104*, W4321*.
Identifiers: ClinVar variation 2827392 (VCV002827392.3), dbSNP rs2533918431, ClinGen allele CA364009600.